The following is an entry in ClinVar:

ClinVar aggregate classification (germline): Likely benign (1 of 4 stars; one submission).

gnomAD v4.1: 133 of 1,612,134 alleles (0.0082%); highest among the groups gnomAD compares: South Asian, 0.15%; 2 homozygotes.

Submission:

CeGaT Center for Human Genetics Tuebingen
Classification: Likely benign. Last evaluated: 2025-06-01. Review status: criteria provided, single submitter. Criteria: CeGaT Center For Human Genetics Tuebingen Variant Classification Criteria Version 2. Collection method: clinical testing. Allele origin: germline. Affected: yes. Observed: 1 variant allele.
Comment: NCAM2: BP4, BP7

NM_004540.5(NCAM2):c.309A>G (p.Gln103=)

Gene: NCAM2 (neural cell adhesion molecule 2; plus strand). Cytogenetic location: 21q21.1.
Variant type: single nucleotide variant.
Coding change: c.309A>G on transcript NM_004540.5 (MANE Select); coding-DNA position 309, A replaced by G.
Protein change: p.Gln103=; no amino-acid change (glutamine 103 retained).
Molecular consequence: synonymous variant. On other transcripts: intron variant (1).
Genome position (GRCh38, 1-based): chr21:21,284,372, A>G. VCF-style: chr21-21284372-A-G. GRCh37 (hg19) VCF-style: chr21-22656692-A-G.
Other names: c.309A>G, p.Gln103= (NM_001352591.2, NM_001352593.2, NM_001352594.2 and 1 more transcripts); c.384A>G, p.Gln128= (NM_001352592.2, NM_001352597.2); c.56-7732A>G (NM_001352595.2).
Identifiers: ClinVar variation 3905334 (VCV003905334.10).